The following is an entry in ClinVar:

NM_018089.3(ANKZF1):c.307C>T (p.Arg103Cys)

Gene: ANKZF1 (ankyrin repeat and zinc finger peptidyl tRNA hydrolase 1; plus strand). Cytogenetic location: 2q35.
Variant type: single nucleotide variant.
Coding change: c.307C>T on transcript NM_018089.3 (MANE Select); coding-DNA position 307, C replaced by T.
Protein change: p.Arg103Cys; replaces arginine 103 with cysteine.
Molecular consequence: missense variant. On other transcripts: intron variant (1).
Genome position (GRCh38, 1-based): chr2:219,232,305, C>T. VCF-style: chr2-219232305-C-T. GRCh37 (hg19) VCF-style: chr2-220097027-C-T.
Other names: c.307C>T (NM_018089.2); c.307C>T, p.Arg103Cys (NM_001042410.2); c.-266-185C>T (NM_001282792.2); short protein forms R103C.
Identifiers: ClinVar variation 1351226 (VCV001351226.9), dbSNP rs576741102, ClinGen allele CA2120703.

ClinVar aggregate classification (germline): Uncertain significance. Review status: criteria provided, multiple submitters, no conflicts (2 of 4 stars). 2 submissions from 2 submitters: Uncertain significance (2). Last evaluated 2025-06-11.

Allele frequency attached by ClinVar (database versions not stated): TOPMed 0.00003; gnomAD 0.00004 and 0.00008; ExAC 0.00006.
gnomAD v4.1: 57 of 1,614,214 alleles (0.0035%); highest among the groups gnomAD compares: Admixed American, 0.02%; no homozygotes.

Submissions (2):

Labcorp Genetics (formerly Invitae), Labcorp
Classification: Uncertain significance. Last evaluated: 2025-06-11. Review status: criteria provided, single submitter. Criteria: Invitae Variant Classification Sherloc (09022015). Collection method: clinical testing. Allele origin: germline.
Comment: This sequence change replaces arginine, which is basic and polar, with cysteine, which is neutral and slightly polar, at codon 103 of the ANKZF1 protein (p.Arg103Cys). This variant is present in population databases (rs576741102, gnomAD 0.03%). This variant has not been reported in the literature in individuals affected with ANKZF1-related conditions. ClinVar contains an entry for this variant (Variation ID: 1351226). An algorithm developed to predict the effect of missense changes on protein structure and function (PolyPhen-2) suggests that this variant is likely to be disruptive. Algorithms developed to predict the effect of sequence changes on RNA splicing suggest that this variant may disrupt the consensus splice site. In summary, the available evidence is currently insufficient to determine the role of this variant in disease. Therefore, it has been classified as a Variant of Uncertain Significance.

Ambry Genetics
Classification: Uncertain significance. Last evaluated: 2023-12-14. Review status: criteria provided, single submitter. Criteria: Ambry Variant Classification Scheme 2023. Collection method: clinical testing. Allele origin: germline.